The following is an entry in ClinVar:

NM_000214.3(JAG1):c.879T>G (p.Cys293Trp)

Gene: JAG1 (jagged canonical Notch ligand 1; minus strand). Cytogenetic location: 20p12.2.
Variant type: single nucleotide variant.
Coding change: c.879T>G on transcript NM_000214.3 (MANE Select); coding-DNA position 879, T replaced by G.
Protein change: p.Cys293Trp; replaces cysteine 293 with tryptophan.
Molecular consequence: missense variant.
Genome position (GRCh38, 1-based): chr20:10,652,475, A>C on the plus strand (T>G on the coding strand, the complement: JAG1 is on the minus strand). VCF-style: chr20-10652475-A-C. GRCh37 (hg19) VCF-style: chr20-10633123-A-C.
Other names: short protein forms C293W.
Identifiers: ClinVar variation 3573158 (VCV003573158.2).

Conditions:
Arteriohepatic dysplasia. Also called: Alagille Syndrome. Identifiers: Orphanet 52, MedGen C0085280, MeSH D016738, MONDO:0007318.

Submission:

Gilbert/Spinner Lab, Children's Hospital of Philadelphia
No classification provided (evidence only). Condition: Alagille syndrome. Review status: no classification provided. Collection method: research. Allele origin: not applicable. Functional consequence: functionally_abnormal.
ClinVar note: "not provided" was previously submitted as the classification for the variant. However, the classification appeared to be based only on an observation of functional data so it was converted to no classification on 2025-07-30.